The following is an entry in ClinVar:

NM_001386140.1(MTTP):c.1184A>G (p.Tyr395Cys)

Gene: MTTP (microsomal triglyceride transfer protein; plus strand). Cytogenetic location: 4q23.
Variant type: single nucleotide variant.
Coding change: c.1184A>G on transcript NM_001386140.1 (MANE Select); coding-DNA position 1184, A replaced by G.
Protein change: p.Tyr395Cys; replaces tyrosine 395 with cysteine.
Molecular consequence: missense variant.
Genome position (GRCh38, 1-based): chr4:99,600,681, A>G. VCF-style: chr4-99600681-A-G. GRCh37 (hg19) VCF-style: chr4-100521838-A-G.
Other names: p.Tyr395Cys; c.1184A>G, p.Tyr395Cys (NM_000253.4); c.935A>G, p.Tyr312Cys (NM_001300785.2); short protein forms Y312C, Y395C.
Identifiers: ClinVar variation 3379551 (VCV003379551.1).

ClinVar aggregate classification (germline): Uncertain significance (1 of 4 stars; one submission).

Submission:

Mayo Clinic Laboratories, Mayo Clinic
Classification: Uncertain significance. Last evaluated: 2023-12-28. Review status: criteria provided, single submitter. Criteria: ACMG Guidelines, 2015. Collection method: clinical testing. Allele origin: germline. Observed: 1 variant allele.
Comment: PM2_moderate